The following is an entry in ClinVar:

ClinVar aggregate classification (germline): Likely benign. Review status: criteria provided, multiple submitters, no conflicts (2 of 4 stars). 3 submissions from 3 submitters: Likely benign (3). Last evaluated 2026-08-26.

Conditions:
Bardet-Biedl syndrome (BBS). Identifiers: Orphanet 110, MedGen C0752166, MONDO:0015229.
Heart defect - tongue hamartoma - polysyndactyly syndrome. Also called: Congenital heart defects, hamartomas of tongue, and polysyndactyly. Identifiers: Orphanet 1338, MedGen C1857587, MONDO:0009008, OMIM 217085.
Bardet-Biedl syndrome 15 (BBS15). Identifiers: Orphanet 110, MedGen C3150127, MONDO:0014443, OMIM 615992.
WDPCP-related disorder. Also called: WDPCP-related condition.

Allele frequency attached by ClinVar (database versions not stated): ExAC 0.00001; gnomAD 0.00001.
gnomAD v4.1: 2 of 1,613,638 alleles (0.00012%); highest among the groups gnomAD compares: Admixed American, 0.0033%; no homozygotes.

Submissions (3):

PreventionGenetics, part of Exact Sciences
Classification: Likely benign for WDPCP-related condition. Last evaluated: 2026-08-26. Review status: criteria provided, single submitter. Criteria: ACMG Guidelines, 2015. Collection method: clinical testing. Allele origin: germline.
Comment: This variant is classified as likely benign based on ACMG/AMP sequence variant interpretation guidelines (Richards et al. 2015 PMID: 25741868, with internal and published modifications).

Labcorp Genetics (formerly Invitae), Labcorp
Classification: Likely benign for Bardet-Biedl syndrome. Last evaluated: 2025-03-10. Review status: criteria provided, single submitter. Criteria: Invitae Variant Classification Sherloc (09022015). Collection method: clinical testing. Allele origin: germline.

Fulgent Genetics
Classification: Likely benign for Heart defect - tongue hamartoma - polysyndactyly syndrome; Bardet-Biedl syndrome 15. Last evaluated: 2022-02-24. Review status: criteria provided, single submitter. Criteria: ACMG Guidelines, 2015. Collection method: clinical testing. Allele origin: unknown.

NM_015910.7(WDPCP):c.1941G>A (p.Gly647=)

Gene: WDPCP (WD repeat containing planar cell polarity effector; minus strand). Cytogenetic location: 2p15.
Variant type: single nucleotide variant.
Coding change: c.1941G>A on transcript NM_015910.7 (MANE Select); coding-DNA position 1941, G replaced by A.
Protein change: p.Gly647=; no amino-acid change (glycine 647 retained).
Molecular consequence: synonymous variant. On other transcripts: non-coding transcript variant (3).
Genome position (GRCh38, 1-based): chr2:63,174,807, C>T on the plus strand (G>A on the coding strand, the complement: WDPCP is on the minus strand). VCF-style: chr2-63174807-C-T. GRCh37 (hg19) VCF-style: chr2-63401942-C-T.
Other names: c.1464G>A, p.Gly488= (NM_001042692.3); c.1869G>A, p.Gly623= (NM_001354044.2); c.1941G>A (NM_015910.5).
Identifiers: ClinVar variation 1647065 (VCV001647065.10), dbSNP rs765502945, ClinGen allele CA1682045.
Genomic context (GRCh38, chr2:63,174,807, plus strand): 5'-AAATGAGTCTTCTCCTTGAGGTGCTAAAGACAGGCCAATAAATGCTTCATTTAGCATATC[C>T]CCTCTGTCCAAGGGTCCCAGGAGTTCTGTTGAAAATGATTAATATGTGAGTGAAATACTA-3'
Protein context (NP_056994.3, residues 637-657): GVELLGPLDR[Gly647=]DMLNEAFIGL